The following is an entry in ClinVar:

NM_000719.7(CACNA1C):c.182A>C (p.Gln61Pro)

Gene: CACNA1C (calcium voltage-gated channel subunit alpha1 C; plus strand). Cytogenetic location: 12p13.33.
Variant type: single nucleotide variant.
Coding change: c.182A>C on transcript NM_000719.7 (MANE Select); coding-DNA position 182, A replaced by C.
Protein change: p.Gln61Pro; replaces glutamine 61 with proline.
Molecular consequence: missense variant.
Genome position (GRCh38, 1-based): chr12:2,115,356, A>C. VCF-style: chr12-2115356-A-C. GRCh37 (hg19) VCF-style: chr12-2224522-A-C.
Other names: c.182A>C, p.Gln61Pro (NM_001129827.2, NM_001129829.2, NM_001129830.3 and 19 more transcripts); short protein forms Q61P.
Identifiers: ClinVar variation 963217 (VCV000963217.10), dbSNP rs2083416747, ClinGen allele CA383653097.
Genomic context (GRCh38, chr12:2,115,356, plus strand): 5'-AGCACATCCCCACCCCGGGGGCTGCCCTGTCGTGGCAGGCGGCCATCGACGCAGCCCGGC[A>C]GGCTAAGCTGATGGGCAGCGCTGGCAATGCGACCATCTCCACAGTCAGCTCCACGCAGCG-3'
Protein context (NP_000710.5, residues 51-71): SWQAAIDAAR[Gln61Pro]AKLMGSAGNA

ClinVar aggregate classification (germline): Uncertain significance (1 of 4 stars; one submission).

Conditions:
Long QT syndrome (LQTS). Identifiers: MedGen C0023976, MeSH D008133, MONDO:0002442. Disease mechanism: loss of function. Inheritance: Various modes of inheritance.

Submission:

Labcorp Genetics (formerly Invitae), Labcorp
Classification: Uncertain significance for Long QT syndrome. Last evaluated: 2019-07-11. Review status: criteria provided, single submitter. Criteria: Invitae Variant Classification Sherloc (09022015). Collection method: clinical testing. Allele origin: germline.
Comment: This sequence change replaces glutamine with proline at codon 61 of the CACNA1C protein (p.Gln61Pro). The glutamine residue is weakly conserved and there is a moderate physicochemical difference between glutamine and proline. This variant is not present in population databases (ExAC no frequency). Algorithms developed to predict the effect of missense changes on protein structure and function are either unavailable or do not agree on the potential impact of this missense change (SIFT: "Tolerated"; PolyPhen-2: "Probably Damaging"; Align-GVGD: "Class C0"). This variant has not been reported in the literature in individuals with CACNA1C-related conditions. In summary, the available evidence is currently insufficient to determine the role of this variant in disease. Therefore, it has been classified as a Variant of Uncertain Significance.